The following is an entry in ClinVar:

NM_032043.3(BRIP1):c.875T>G (p.Phe292Cys)

Gene: BRIP1 (BRCA1 interacting DNA helicase 1; minus strand). Cytogenetic location: 17q23.2.
Variant type: single nucleotide variant.
Coding change: c.875T>G on transcript NM_032043.3 (MANE Select); coding-DNA position 875, T replaced by G.
Protein change: p.Phe292Cys; replaces phenylalanine 292 with cysteine.
Molecular consequence: missense variant.
Genome position (GRCh38, 1-based): chr17:61,808,510, A>C on the plus strand (T>G on the coding strand, the complement: BRIP1 is on the minus strand). VCF-style: chr17-61808510-A-C. GRCh37 (hg19) VCF-style: chr17-59885871-A-C.
Other names: short protein forms F292C.
Identifiers: ClinVar variation 4783556 (VCV004783556.1).
Genomic context (GRCh38, chr17:61,808,510, plus strand): 5'-AAAATAACTTTACTCACGTTTTTCCCATCTAGCAATTCCATGCACTTCTCATTTCTGTTG[A>C]AGTTACCGACTACCTCAGGATGGACACAAGTATGATCCCTGCTGGAAAGAATAGTCATTG-3'
Protein context (NP_114432.2, residues 282-302): TCVHPEVVGN[Phe292Cys]NRNEKCMELL

ClinVar aggregate classification (germline): Uncertain significance (1 of 4 stars; one submission).

Conditions:
Fanconi anemia complementation group J. Also called: BRIP1-Related Fanconi Anemia. Identifiers: Orphanet 84, MedGen C1836860, MONDO:0012187, OMIM 609054.
Familial cancer of breast. Also called: Hereditary breast cancer; hereditary breast carcinoma; BREAST CANCER, FAMILIAL. Identifiers: Orphanet 227535, MedGen C0346153, MONDO:0016419, OMIM 114480. Disease mechanism: loss of function.

Submission:

Labcorp Genetics (formerly Invitae), Labcorp
Classification: Uncertain significance for Familial cancer of breast; Fanconi anemia complementation group J. Last evaluated: 2025-12-22. Review status: criteria provided, single submitter. Criteria: Invitae Variant Classification Sherloc (09022015). Collection method: clinical testing. Allele origin: germline.
Comment: This sequence change replaces phenylalanine, which is neutral and non-polar, with cysteine, which is neutral and slightly polar, at codon 292 of the BRIP1 protein (p.Phe292Cys). This variant is not present in population databases (gnomAD no frequency). This variant has not been reported in the literature in individuals affected with BRIP1-related conditions. Invitae Evidence Modeling of protein sequence and biophysical properties (such as structural, functional, and spatial information, amino acid conservation, physicochemical variation, residue mobility, and thermodynamic stability) has been performed for this missense variant. However, the output from this modeling did not meet the statistical confidence thresholds required to predict the impact of this variant on BRIP1 protein function. In summary, the available evidence is currently insufficient to determine the role of this variant in disease. Therefore, it has been classified as a Variant of Uncertain Significance.